The following is an entry in ClinVar:

ClinVar aggregate classification (germline): Conflicting classifications of pathogenicity. Review status: criteria provided, conflicting classifications (1 of 4 stars). 2 submissions from 2 submitters: Uncertain significance (1); Benign (1). Last evaluated 2025-06-09.

Conditions:
Cardiovascular phenotype. Identifiers: MedGen CN230736.
Hereditary cancer-predisposing syndrome. Also called: Hereditary Cancer Syndrome; Hereditary neoplastic syndrome; Tumor predisposition; Neoplastic Syndromes, Hereditary. Identifiers: Orphanet 140162, MedGen C0027672, MeSH D009386, MONDO:0015356.
Neurofibromatosis, type 1 (NF1). Also called: VON RECKLINGHAUSEN DISEASE; NEUROFIBROMATOSIS, TYPE I, SOMATIC; Peripheral type neurofibromatosis; Neurofibromatosis, type I. Identifiers: Orphanet 636, MedGen C0027831, MONDO:0018975, OMIM 162200. Disease mechanism: loss of function.

gnomAD v4.1: 2 of 1,613,250 alleles (0.00012%); highest among the groups gnomAD compares: Non-Finnish European, 0.00017%; no homozygotes.

Submissions (2):

Labcorp Genetics (formerly Invitae), Labcorp
Classification: Benign for Neurofibromatosis, type 1. Last evaluated: 2025-06-09. Review status: criteria provided, single submitter. Criteria: Invitae Variant Classification Sherloc (09022015). Collection method: clinical testing. Allele origin: germline.

Ambry Genetics
Classification: Uncertain significance for Cardiovascular phenotype; Hereditary cancer-predisposing syndrome. Last evaluated: 2022-12-04. Review status: criteria provided, single submitter. Criteria: Ambry Variant Classification Scheme 2023. Collection method: clinical testing. Allele origin: germline.
Comment: The p.A1565T variant (also known as c.4693G>A), located in coding exon 35 of the NF1 gene, results from a G to A substitution at nucleotide position 4693. The alanine at codon 1565 is replaced by threonine, an amino acid with similar properties. This amino acid position is conserved. In addition, the in silico prediction for this alteration is inconclusive. Since supporting evidence is limited at this time, the clinical significance of this alteration remains unclear.

NM_001042492.3(NF1):c.4756G>A (p.Ala1586Thr)

Gene: NF1 (neurofibromin 1; plus strand). Cytogenetic location: 17q11.2.
Variant type: single nucleotide variant.
Coding change: c.4756G>A on transcript NM_001042492.3 (MANE Select); coding-DNA position 4756, G replaced by A.
Protein change: p.Ala1586Thr; replaces alanine 1586 with threonine.
Molecular consequence: missense variant.
Genome position (GRCh38, 1-based): chr17:31,265,260, G>A. VCF-style: chr17-31265260-G-A. GRCh37 (hg19) VCF-style: chr17-29592278-G-A.
Other names: c.4693G>A, p.Ala1565Thr (NM_000267.4); short protein forms A1565T, A1586T.
Identifiers: ClinVar variation 457715 (VCV000457715.9), dbSNP rs767438491, ClinGen allele CA399001220.